The following is an entry in ClinVar:

ClinVar aggregate classification (germline): Uncertain significance. Review status: criteria provided, multiple submitters, no conflicts (2 of 4 stars). 2 submissions from 2 submitters: Uncertain significance (2). Last evaluated 2026-04-14.

Conditions:
Schaaf-Yang syndrome (SHFYNG). Also called: Arthrogryposis, distal, with hypopituitarism, intellectual disability, and facial anomalies; MAGEL2-related Prader-Willi-like syndrome. Identifiers: Orphanet 398069, MedGen C5575066, MONDO:0014243, OMIM 615547.

Submissions (2):

GeneDx
Classification: Uncertain significance. Last evaluated: 2026-04-14. Review status: criteria provided, single submitter. Criteria: GeneDx Variant Classification Process June 2021. Collection method: clinical testing. Allele origin: germline.
Comment: Not observed at significant frequency in large population cohorts (gnomAD); Has not been previously published as pathogenic or benign to our knowledge; In silico analysis does not support a benign or deleterious effect of this variant on protein structure/function

Victorian Clinical Genetics Services, Murdoch Childrens Research Institute
Classification: Uncertain significance for Schaaf-Yang syndrome. Last evaluated: 2022-02-02. Review status: criteria provided, single submitter. Criteria: ACMG Guidelines, 2015. Collection method: clinical testing. Allele origin: germline. Inheritance: Autosomal dominant inheritance.
Comment: Based on the classification scheme VCGS_Germline_v1.3.4, this variant is classified as VUS-3B. Following criteria are met: 0102 - Loss of function is a known mechanism of disease in this gene and is associated with Schaaf-Yang syndrome (MIM#615547). (I) 0107 - This gene is associated with autosomal dominant disease. (I) 0113 - This gene is known to be maternally imprinted (OMIM). (I) 0200 - Variant is predicted to result in a missense amino acid change from arginine to serine. (I) 0251 - This variant is heterozygous. (I) 0301 - Variant is absent from gnomAD (both v2 and v3). However, gnomAD v2 has poor coverage within this region. (SP) 0309 - An alternative amino acid change at the same position has been observed in gnomAD (v3) (3 heterozygotes, 0 homozygotes). (I) 0502 - Missense variant with inconclusive in silico predictions and uninformative conservation. (I) 0604 - Variant is not located in an established domain, motif, hotspot or informative constraint region. (I) 0705 - No comparable missense variants have previous evidence for pathogenicity. (I) 0807 - This variant has no previous evidence of pathogenicity. (I) 0905 - No published segregation evidence has been identified for this variant. (I) 1007 - No published functional evidence has been identified for this variant. (I) 1208 - Inheritance information for this variant is not currently available in this individual. (I) Legend: (SP) - Supporting pathogenic, (I) - Information, (SB) - Supporting benign

NM_019066.5(MAGEL2):c.1480C>A (p.Arg494Ser)

Gene: MAGEL2 (MAGE family member L2; minus strand). Cytogenetic location: 15q11.2.
Variant type: single nucleotide variant.
Coding change: c.1480C>A on transcript NM_019066.5 (MANE Select); coding-DNA position 1480, C replaced by A.
Protein change: p.Arg494Ser; replaces arginine 494 with serine.
Molecular consequence: missense variant.
Genome position (GRCh38, 1-based): chr15:23,646,263, G>T on the plus strand (C>A on the coding strand, the complement: MAGEL2 is on the minus strand). VCF-style: chr15-23646263-G-T. GRCh37 (hg19) VCF-style: chr15-23891410-G-T.
Other names: short protein forms R494S.
Identifiers: ClinVar variation 3376594 (VCV003376594.2).
Genomic context (GRCh38, chr15:23,646,263, plus strand): 5'-AGAGCGGTGGCTGGGTGGCCAGGACCTGTGGGGCAGGTCGGATGGGCGGCGGCGCCTGGC[G>T]GATCAGCGGCGGGGCCTGGCGGATCACAGGTGGAGCCTGGCGGATCACAGGTGGGGCCTG-3'
Protein context (NP_061939.3, residues 484-504): PVIRQAPPLI[Arg494Ser]QAPPPIRPAP